The following is an entry in ClinVar:

NM_000062.3(SERPING1):c.1229T>C (p.Leu410Pro)

Gene: SERPING1 (serpin family G member 1; plus strand). Cytogenetic location: 11q12.1.
Variant type: single nucleotide variant.
Coding change: c.1229T>C on transcript NM_000062.3 (MANE Select); coding-DNA position 1229, T replaced by C.
Protein change: p.Leu410Pro; replaces leucine 410 with proline.
Molecular consequence: missense variant.
Genome position (GRCh38, 1-based): chr11:57,611,916, T>C. VCF-style: chr11-57611916-T-C. GRCh37 (hg19) VCF-style: chr11-57379389-T-C.
Other names: c.1229T>C, p.Leu410Pro (NM_001032295.2); short protein forms L410P.
Identifiers: ClinVar variation 3255498 (VCV003255498.2), dbSNP rs2495452889.

ClinVar aggregate classification (germline): Likely pathogenic (1 of 4 stars; one submission).

Conditions:
Hereditary angioedema type 1 (HAE1). Identifiers: Orphanet 100050, Orphanet 100051, Orphanet 91378, MedGen C2717906, MONDO:0015053, OMIM 106100.

Submission:

DNA-diagnostics Laboratory, Research Centre For Medical Genetics
Classification: Likely pathogenic for Hereditary angioedema type 1. Last evaluated: 2024-07-21. Review status: criteria provided, single submitter. Criteria: ACMG Guidelines, 2015. Collection method: research. Allele origin: germline. Inheritance: Autosomal dominant inheritance. Affected: yes. Observed: 1 heterozygote.
Comment: According to our observation and the published information of Gösswein et al. 2008 , the c.1229T>C variant in SERPING1 meets ACMG/ClinGen SVI guidance criteria to be classified as likely pathogenic: PP4_Mod, PS4_Mod, PM2_Sup, PP2, PP3

Literature cited by the submitters: PubMed 18758157.